The following is an entry in ClinVar:

ClinVar aggregate classification (germline): Uncertain significance (1 of 4 stars; one submission).

Allele frequency attached by ClinVar (database versions not stated): ExAC 0.00001; gnomAD 0.00001; TOPMed 0.00001.
gnomAD v4.1: 31 of 1,613,824 alleles (0.0019%); highest among the groups gnomAD compares: Middle Eastern, 0.033%; no homozygotes.

Submission:

Labcorp Genetics (formerly Invitae), Labcorp
Classification: Uncertain significance. Last evaluated: 2021-12-24. Review status: criteria provided, single submitter. Criteria: Invitae Variant Classification Sherloc (09022015). Collection method: clinical testing. Allele origin: germline.
Comment: This sequence change replaces alanine, which is neutral and non-polar, with threonine, which is neutral and polar, at codon 277 of the C2 protein (p.Ala277Thr). This variant is present in population databases (rs771207793, gnomAD 0.004%). This variant has not been reported in the literature in individuals affected with C2-related conditions. Algorithms developed to predict the effect of missense changes on protein structure and function (SIFT, PolyPhen-2, Align-GVGD) all suggest that this variant is likely to be disruptive. In summary, the available evidence is currently insufficient to determine the role of this variant in disease. Therefore, it has been classified as a Variant of Uncertain Significance.

NM_000063.6(C2):c.829G>A (p.Ala277Thr)

Gene: C2 (complement C2; plus strand). Cytogenetic location: 6p21.33.
Variant type: single nucleotide variant.
Coding change: c.829G>A on transcript NM_000063.6 (MANE Select); coding-DNA position 829, G replaced by A.
Protein change: p.Ala277Thr; replaces alanine 277 with threonine.
Molecular consequence: missense variant. On other transcripts: intron variant (2).
Genome position (GRCh38, 1-based): chr6:31,934,279, G>A. VCF-style: chr6-31934279-G-A. GRCh37 (hg19) VCF-style: chr6-31902056-G-A.
Other names: c.433G>A, p.Ala145Thr (NM_001145903.3); c.742G>A, p.Ala248Thr (NM_001282458.2); c.829G>A, p.Ala277Thr (NM_001282459.2); c.111+496G>A (NM_001282457.2); c.346+314G>A (NM_001178063.3); short protein forms A248T, A277T, A145T.
Identifiers: ClinVar variation 2059348 (VCV002059348.1), dbSNP rs771207793, ClinGen allele CA3727523.